The following is an entry in ClinVar:

ClinVar aggregate classification (germline): Uncertain significance. Review status: criteria provided, multiple submitters, no conflicts (2 of 4 stars). 2 submissions from 2 submitters: Uncertain significance (2). Last evaluated 2025-12-14.

Submissions (2):

Ambry Genetics
Classification: Uncertain significance. Last evaluated: 2025-12-14. Review status: criteria provided, single submitter. Criteria: Ambry Variant Classification Scheme 2023. Collection method: clinical testing. Allele origin: germline.
Comment: The p.T55S variant (also known as c.163A>T), located in coding exon 1 of the GALNT12 gene, results from an A to T substitution at nucleotide position 163. The threonine at codon 55 is replaced by serine, an amino acid with similar properties. This amino acid position is conserved. In addition, this alteration is predicted to be tolerated by in silico analysis. Based on the available evidence, the clinical significance of this variant remains unclear.

Labcorp Genetics (formerly Invitae), Labcorp
Classification: Uncertain significance. Last evaluated: 2021-03-26. Review status: criteria provided, single submitter. Criteria: Invitae Variant Classification Sherloc (09022015). Collection method: clinical testing. Allele origin: germline.
Comment: This variant has not been reported in the literature in individuals with GALNT12-related conditions. The frequency data for this variant in the population databases is considered unreliable, as metrics indicate insufficient coverage at this position in the ExAC database. This sequence change replaces threonine with serine at codon 55 of the GALNT12 protein (p.Thr55Ser). The threonine residue is weakly conserved and there is a small physicochemical difference between threonine and serine. Algorithms developed to predict the effect of missense changes on protein structure and function are either unavailable or do not agree on the potential impact of this missense change (SIFT: "Tolerated"; PolyPhen-2: "Not Available"; Align-GVGD: "Class C0"). In summary, the available evidence is currently insufficient to determine the role of this variant in disease. Therefore, it has been classified as a Variant of Uncertain Significance.

NM_024642.5(GALNT12):c.163A>T (p.Thr55Ser)

Gene: GALNT12 (polypeptide N-acetylgalactosaminyltransferase 12; plus strand). Cytogenetic location: 9q22.33.
Variant type: single nucleotide variant.
Coding change: c.163A>T on transcript NM_024642.5 (MANE Select); coding-DNA position 163, A replaced by T.
Protein change: p.Thr55Ser; replaces threonine 55 with serine.
Molecular consequence: missense variant.
Genome position (GRCh38, 1-based): chr9:98,807,861, A>T. VCF-style: chr9-98807861-A-T. GRCh37 (hg19) VCF-style: chr9-101570143-A-T.
Other names: c.163A>T (NM_024642.4); short protein forms T55S.
Identifiers: ClinVar variation 1525512 (VCV001525512.9), dbSNP rs1007797317, ClinGen allele CA374222436.
Genomic context (GRCh38, chr9:98,807,861, plus strand): 5'-TCGGTGCTGCGGGCGCAGCGTGGGGCCGGGGCCGGGGCTGCCGAGCCGGGACCCCCGCGC[A>T]CCCCGCGCCCCGGGCGGCGCGAGCCGGTCATGCCGCGGCCGCCGGTGCCGGCGAACGCGC-3'
Protein context (NP_078918.3, residues 45-65): AGAAEPGPPR[Thr55Ser]PRPGRREPVM